The following is an entry in ClinVar:

NM_004304.5(ALK):c.4074-5T>C

Gene: ALK (ALK receptor tyrosine kinase; minus strand). Cytogenetic location: 2p23.2.
Variant type: single nucleotide variant.
Coding change: c.4074-5T>C on transcript NM_004304.5 (MANE Select); 5 bases into the intron before coding-DNA position 4074, T replaced by C.
Molecular consequence: intron variant.
Genome position (GRCh38, 1-based): chr2:29,196,865, A>G on the plus strand (T>C on the coding strand, the complement: ALK is on the minus strand). VCF-style: chr2-29196865-A-G. GRCh37 (hg19) VCF-style: chr2-29419731-A-G.
Other names: c.4074-5T>C (NM_004304.4); c.870-5T>C (NM_001353765.2).
Identifiers: ClinVar variation 2757407 (VCV002757407.4), dbSNP rs1669035909, ClinGen allele CA1241074521.

ClinVar aggregate classification (germline): Conflicting classifications of pathogenicity. Review status: criteria provided, conflicting classifications (1 of 4 stars). 2 submissions from 2 submitters: Uncertain significance (1); Likely benign (1). Last evaluated 2024-06-07.

Conditions:
Hereditary cancer-predisposing syndrome. Also called: Neoplastic Syndromes, Hereditary; Tumor predisposition; Hereditary neoplastic syndrome; Hereditary Cancer Syndrome. Identifiers: Orphanet 140162, MedGen C0027672, MeSH D009386, MONDO:0015356.
Neuroblastoma, susceptibility to, 3. Also called: ALK-Related Neuroblastic Tumor Susceptibility. Identifiers: Orphanet 635, MedGen C2751681, MONDO:0013083, OMIM 613014.

Allele frequency attached by ClinVar (database versions not stated): TOPMed below 0.00001.

Submissions (2):

Ambry Genetics
Classification: Uncertain significance for Hereditary cancer-predisposing syndrome. Last evaluated: 2024-06-07. Review status: criteria provided, single submitter. Criteria: Ambry Variant Classification Scheme 2023. Collection method: clinical testing. Allele origin: germline.
Comment: The c.4074-5T>C intronic variant results from a T to C substitution 5 nucleotides upstream from coding exon 28 in the ALK gene. This nucleotide position is well conserved in available vertebrate species. In silico splice site analysis predicts that this alteration will not have any significant effect on splicing. Based on the available evidence, the clinical significance of this variant remains unclear.

Labcorp Genetics (formerly Invitae), Labcorp
Classification: Likely benign for Neuroblastoma, susceptibility to, 3. Last evaluated: 2023-09-03. Review status: criteria provided, single submitter. Criteria: Invitae Variant Classification Sherloc (09022015). Collection method: clinical testing. Allele origin: germline.